The following is an entry in ClinVar:

NM_001170629.2(CHD8):c.4484G>A (p.Arg1495His)

Gene: CHD8 (chromodomain helicase DNA binding protein 8; minus strand). Cytogenetic location: 14q11.2.
Variant type: single nucleotide variant.
Coding change: c.4484G>A on transcript NM_001170629.2 (MANE Select); coding-DNA position 4484, G replaced by A.
Protein change: p.Arg1495His; replaces arginine 1495 with histidine.
Molecular consequence: missense variant.
Genome position (GRCh38, 1-based): chr14:21,400,499, C>T on the plus strand (G>A on the coding strand, the complement: CHD8 is on the minus strand). VCF-style: chr14-21400499-C-T. GRCh37 (hg19) VCF-style: chr14-21868658-C-T.
Other names: c.3647G>A, p.Arg1216His (NM_020920.4); short protein forms R1216H, R1495H.
Identifiers: ClinVar variation 1311594 (VCV001311594.5), dbSNP rs376523446, ClinGen allele CA7091211.

ClinVar aggregate classification (germline): Uncertain significance. Review status: criteria provided, multiple submitters, no conflicts (2 of 4 stars). 2 submissions from 2 submitters: Uncertain significance (2). Last evaluated 2024-01-07.

Allele frequency attached by ClinVar (database versions not stated): gnomAD 0.00003 and 0.00004; gnomAD exomes 0.00004 and 0.00010; TOPMed 0.00005; ESP Exome Variant Server 0.00008; ExAC 0.00015.
gnomAD v4.1: 68 of 1,613,000 alleles (0.0042%); highest among the groups gnomAD compares: African/African-American, 0.0094%; no homozygotes.

Submissions (2):

Labcorp Genetics (formerly Invitae), Labcorp
Classification: Uncertain significance. Last evaluated: 2024-01-07. Review status: criteria provided, single submitter. Criteria: Invitae Variant Classification Sherloc (09022015). Collection method: clinical testing. Allele origin: germline.
Comment: This sequence change replaces arginine, which is basic and polar, with histidine, which is basic and polar, at codon 1495 of the CHD8 protein (p.Arg1495His). This variant is present in population databases (rs376523446, gnomAD 0.01%), and has an allele count higher than expected for a pathogenic variant. This missense change has been observed in individual(s) with CHD8-related conditions (PMID: 31980904, 33004838). ClinVar contains an entry for this variant (Variation ID: 1311594). Advanced modeling of protein sequence and biophysical properties (such as structural, functional, and spatial information, amino acid conservation, physicochemical variation, residue mobility, and thermodynamic stability) performed at Invitae indicates that this missense variant is not expected to disrupt CHD8 protein function with a negative predictive value of 80%. In summary, the available evidence is currently insufficient to determine the role of this variant in disease. Therefore, it has been classified as a Variant of Uncertain Significance.

GeneDx
Classification: Uncertain significance. Last evaluated: 2020-10-16. Review status: criteria provided, single submitter. Criteria: GeneDx Variant Classification Process June 2021. Collection method: clinical testing. Allele origin: germline. Affected: yes.
Comment: In silico analysis, which includes protein predictors and evolutionary conservation, supports a deleterious effect; Has not been previously published as pathogenic or benign to our knowledge; This variant is associated with the following publications: (PMID: 31980904)

Literature cited by the submitters: PubMed 31980904 (cited by Labcorp Genetics (formerly Invitae), Labcorp); PubMed 33004838 (cited by Labcorp Genetics (formerly Invitae), Labcorp).